The following is an entry in ClinVar:

NM_020821.3(VPS13C):c.192del (p.Lys64fs)

Gene: VPS13C (vacuolar protein sorting 13 homolog C; minus strand). Cytogenetic location: 15q22.2.
Variant type: Deletion.
Coding change: c.192del on transcript NM_020821.3 (MANE Select); coding-DNA position 192, one base deleted (A; older notation c.192delA).
Protein change: p.Lys64fs; shifts the reading frame from lysine 64.
Molecular consequence: frameshift variant.
Genome position (GRCh38, 1-based): chr15:62,035,048, T deleted on the plus strand (A on the coding strand, the reverse complement: VPS13C is on the minus strand); the first of 3 consecutive T bases (chr15:62,035,048-62,035,050); deleting any one gives the same sequence. VCF-style (leftmost placement, unchanged base first): chr15-62035047-AT-A. GRCh37 (hg19) VCF-style: chr15-62327246-AT-A.
Other names: c.192del, p.Lys64fs (NM_001018088.3, NM_017684.5, NM_018080.4); short protein forms K64fs.
Identifiers: ClinVar variation 3000824 (VCV003000824.3), dbSNP rs761323769, ClinGen allele CA7597634.
Genomic context (GRCh38, chr15:62,035,047, plus strand): 5'-CTTCCAGGGTCGCAACAACTGCTTCTCCATAAAGGTTCTTCCAAGGAATCTTCAAAGTTA[AT>A]TTATCTAAGGAAACATAATTTCAACCTTAAATTATTATTTGACTGCTCAAGAACACAAAA-3'

ClinVar aggregate classification (germline): Pathogenic (1 of 4 stars; one submission).

Submission:

Labcorp Genetics (formerly Invitae), Labcorp
Classification: Pathogenic. Last evaluated: 2025-06-14. Review status: criteria provided, single submitter. Criteria: Invitae Variant Classification Sherloc (09022015). Collection method: clinical testing. Allele origin: germline.
Comment: This sequence change creates a premature translational stop signal (p.Lys64Asnfs*2) in the VPS13C gene. It is expected to result in an absent or disrupted protein product. Loss-of-function variants in VPS13C are known to be pathogenic (PMID: 26942284, 34875562). This variant is present in population databases (rs761323769, gnomAD 0.002%). This variant has not been reported in the literature in individuals affected with VPS13C-related conditions. ClinVar contains an entry for this variant (Variation ID: 3000824). For these reasons, this variant has been classified as Pathogenic.

Literature cited by the submitters: PubMed 26942284; PubMed 34875562.